The following is an entry in ClinVar:

ClinVar aggregate classification (germline): Uncertain significance. Review status: criteria provided, multiple submitters, no conflicts (2 of 4 stars). 2 submissions from 2 submitters: Uncertain significance (2). Last evaluated 2026-09-01.

Conditions:
Hypophosphatasia. Also called: Phosphoethanol-aminuria. Identifiers: Orphanet 436, MedGen C0020630, MeSH D007014, MONDO:0018570.

Submissions (2):

Genomenon, Inc
Classification: Uncertain significance for Hypophosphatasia. Last evaluated: 2026-09-01. Review status: criteria provided, single submitter. Criteria: Genomenon Sequence Variant Interpretation Standards - Updated. Collection method: curation. Allele origin: germline. Affected: no.
Comment: ALPL p.Ala460Val (c.1379C>T) is a missense variant that changes the amino acid at codon 460 from Alanine to Valine. This variant has been reported in the published literature (PMID:40386289). It is absent or not present at a significant frequency in gnomAD. In silico models predict that this variant is possibly or probably damaging. In conclusion, we classify ALPL p.Ala460Val (c.1379C>T) as a variant of uncertain significance.

JKU Lab, Dept of Paediatrics, Johannes Kepler University
Classification: Uncertain significance for Hypophosphatasia. Last evaluated: 2022-01-27. Review status: criteria provided, single submitter. Criteria: ACMG Classification. Collection method: clinical testing. Allele origin: germline. Affected: yes. Observed: 1 compound heterozygote.
Comment: This variant is absent from large population studies. The REVEL score is 0.7129. Functional studies performed at the JKU Hoegler lab did not showed conclusive results. ACMG Criteria used for classification: PM2_sup, PP2_sup, PP3_sup, PP4_sup.

Literature cited by the submitters: PubMed 40386289 (cited by Genomenon, Inc).

NM_000478.6(ALPL):c.1379C>T (p.Ala460Val)

Gene: ALPL (alkaline phosphatase, biomineralization associated; plus strand). Cytogenetic location: 1p36.12.
Variant type: single nucleotide variant.
Coding change: c.1379C>T on transcript NM_000478.6 (MANE Select); coding-DNA position 1379, C replaced by T.
Protein change: p.Ala460Val; replaces alanine 460 with valine.
Molecular consequence: missense variant.
Genome position (GRCh38, 1-based): chr1:21,577,452, C>T. VCF-style: chr1-21577452-C-T. GRCh37 (hg19) VCF-style: chr1-21903945-C-T.
Other names: c.1214C>T, p.Ala405Val (NM_001127501.4); c.1148C>T, p.Ala383Val (NM_001177520.3); c.1379C>T, p.Ala460Val (NM_001369803.2, NM_001369804.2, NM_001369805.2); short protein forms A383V, A405V, A460V.
Identifiers: ClinVar variation 1338726 (VCV001338726.3), dbSNP rs2148194761, ClinGen allele CA338882076.